The following is an entry in ClinVar:

ClinVar aggregate classification (germline): Likely pathogenic (1 of 4 stars; one submission).

Conditions:
NPHP3-related disorder. Also called: NPHP3-related disorders; NPHP3-related condition. Identifiers: MedGen CN379163.

Submission:

PreventionGenetics, part of Exact Sciences
Classification: Likely pathogenic for NPHP3-related condition. Last evaluated: 2023-09-29. Review status: criteria provided, single submitter. Criteria: ACMG Guidelines, 2015. Collection method: clinical testing. Allele origin: germline.
Comment: The NPHP3 c.1791_1794dupTAAG variant is predicted to result in premature protein termination (p.Leu599*). To our knowledge, this variant has not been reported in the literature or in a large population database, indicating this variant is rare. Nonsense variants in NPHP3 are expected to be pathogenic. This variant is interpreted as likely pathogenic.

NM_153240.5(NPHP3):c.1791_1794dup (p.Leu599Ter)

Genes: NPHP3 (nephrocystin 3; minus strand), NPHP3-ACAD11 (NPHP3-ACAD11 readthrough (NMD candidate); minus strand). Cytogenetic location: 3q22.1.
Variant type: Duplication.
Coding change: c.1791_1794dup on transcript NM_153240.5 (MANE Select); coding-DNA positions 1791 to 1794, 4 bases duplicated (TAAG; older notation c.1791_1794dupTAAG).
Protein change: p.Leu599Ter; replaces leucine 599 with a stop codon.
Molecular consequence: nonsense. On other transcripts: non-coding transcript variant (1).
Genome position (GRCh38, 1-based): chr3:132,700,011-132,700,014, CTTA duplicated on the plus strand (TAAG on the coding strand, the reverse complement: NPHP3 is on the minus strand). VCF-style (leftmost placement, unchanged base first): chr3-132700010-G-GCTTA. GRCh37 (hg19) VCF-style: chr3-132418854-G-GCTTA.
Other names: short protein forms L599*.
Identifiers: ClinVar variation 2634016 (VCV002634016.1), dbSNP rs2530433517, ClinGen allele CA2695199288.
Genomic context (GRCh38, chr3:132,700,010, plus strand): 5'-TGATGCTGCCTTGATGACGAGCAGAGAGTTTTTCCAGCCAACGTGGAAATTCTTCCAGAA[G>GCTTA]CTTAGCAGGATCCAGTGTCAGAGCAGAGACTGACCAAGAGTGCTGCATCAACTACAAGAT-3'